The following is an entry in ClinVar:

ClinVar aggregate classification (germline): Affects (0 of 4 stars; one submission).

Conditions:
Blood group, P1PK system. Identifiers: MedGen C3549485, OMIM 111400.

Submission:

National Institute of Immunohaematology, Indian Council of Medical Research
Classification: Affects for Blood group, P1PK system. Review status: no assertion criteria provided. Collection method: research. Allele origin: inherited. Affected: yes.
Comment: The NM_017436.4, c.592delC, is a frameshift deletion in a exon 3 of a A4GALT gene which is predicted to result in a premature termination of protein, and likely results in absent or disrupted protein product (A4GALT). Individuals with the p phenotype lack the P, P1, and P(k) antigens. The anti-PP1Pk antibody has been naturally produced in p phenotype individual. These antibodies are responsible for severe hemolytic transfusion reactions (HTR) and haemolytic disease of new born (HDFN). This phenotype confirmed by serological assay using preserved anti-PP1Pk antibody. This novel variant is not present in gnomAD and not reported in literature. In summary, this variant meets criteria to be classified as affecting for rare p phenotype based on an online resource .

Literature cited by the submitters: DOI 10.1111/trf.12355; DOI 10.1074/jbc.C000625200; DOI 10.1111/j.1365-2141.2004.04930.x.

NM_017436.7(A4GALT):c.592del (p.Leu198fs)

Gene: A4GALT (alpha 1,4-galactosyltransferase (P1PK blood group); minus strand). Cytogenetic location: 22q13.2.
Variant type: Deletion.
Coding change: c.592del on transcript NM_017436.7 (MANE Select); coding-DNA position 592, one base deleted (C; older notation c.592delC).
Protein change: p.Leu198fs; shifts the reading frame from leucine 198.
Molecular consequence: frameshift variant.
Genome position (GRCh38, 1-based): chr22:42,693,360, G deleted on the plus strand (C on the coding strand, the reverse complement: A4GALT is on the minus strand). VCF-style (leftmost placement, unchanged base first): chr22-42693359-AG-A. GRCh37 (hg19) VCF-style: chr22-43089365-AG-A.
Other names: p.L198Sfs*7; c.592del, p.Leu198fs (NM_001318038.3); short protein forms L198fs.
Identifiers: ClinVar variation 3358859 (VCV003358859.1).